The following is an entry in ClinVar:

NM_014989.7(RIMS1):c.1003G>C (p.Asp335His)

Gene: RIMS1 (regulating synaptic membrane exocytosis 1; plus strand). Cytogenetic location: 6q13.
Variant type: single nucleotide variant.
Coding change: c.1003G>C on transcript NM_014989.7 (MANE Select); coding-DNA position 1003, G replaced by C.
Protein change: p.Asp335His; replaces aspartic acid 335 with histidine.
Molecular consequence: missense variant.
Genome position (GRCh38, 1-based): chr6:72,182,474, G>C. VCF-style: chr6-72182474-G-C. GRCh37 (hg19) VCF-style: chr6-72892177-G-C.
Other names: short protein forms D335H.
Identifiers: ClinVar variation 4729818 (VCV004729818.1).
Genomic context (GRCh38, chr6:72,182,474, plus strand): 5'-GAAAGCCGAAGGCTTGAGAAAGGGCGATCACAGGATTACCCAGACACGCCGGAAAAACGG[G>C]ATGAGGGCAAAGCGGCGGATGAGGAAAAGCAAAGAAAAGAGGAGGATTATCAGACCAGGT-3'
Protein context (NP_055804.2, residues 325-345): QDYPDTPEKR[Asp335His]EGKAADEEKQ

ClinVar aggregate classification (germline): Uncertain significance (1 of 4 stars; one submission).

Submission:

Labcorp Genetics (formerly Invitae), Labcorp
Classification: Uncertain significance. Last evaluated: 2025-10-24. Review status: criteria provided, single submitter. Criteria: Invitae Variant Classification Sherloc (09022015). Collection method: clinical testing. Allele origin: germline.
Comment: This sequence change replaces aspartic acid, which is acidic and polar, with histidine, which is basic and polar, at codon 335 of the RIMS1 protein (p.Asp335His). This variant is not present in population databases (gnomAD no frequency). This variant has not been reported in the literature in individuals affected with RIMS1-related conditions. An algorithm developed to predict the effect of missense changes on protein structure and function (PolyPhen-2) suggests that this variant is likely to be tolerated. In summary, the available evidence is currently insufficient to determine the role of this variant in disease. Therefore, it has been classified as a Variant of Uncertain Significance.